The following is an entry in ClinVar:

ClinVar aggregate classification (germline): Benign. Review status: reviewed by expert panel (3 of 4 stars). 12 submissions from 12 submitters: Benign (1). 11 of the submissions do not count toward it. Last evaluated 2017-04-18.

Conditions:
Cardiovascular phenotype. Identifiers: MedGen CN230736.
Noonan syndrome and Noonan-related syndrome. Identifiers: Orphanet 98733, MedGen C5681679, MONDO:0020297.
Fibromatosis, gingival, 1 (GINGF1). Identifiers: Orphanet 2024, MedGen C4551558, MONDO:0007609, OMIM 135300.
Noonan syndrome 4 (NS4). Also called: NOONAN SYNDROME WITH PIGMENTED VILLONODULAR SYNOVITIS; SOS1-Related Noonan Syndrome. Identifiers: Orphanet 648, MedGen C1853120, MONDO:0012547, OMIM 610733.
RASopathy. Also called: rasopathies; Noonan spectrum disorder. Identifiers: Orphanet 536391, MedGen C5555857, MONDO:0021060.

Allele frequency attached by ClinVar (database versions not stated): TOPMed 0.00378; ESP Exome Variant Server 0.00461; 1000 Genomes Project 30x 0.00703; 1000 Genomes Project 0.00719; gnomAD exomes 0.00086 and 0.00212; ExAC 0.00248; gnomAD 0.00352 and 0.00366.
gnomAD v4.1: 1,835 of 1,603,100 alleles (0.11%); highest among the groups gnomAD compares: African/African-American, 1%; 18 homozygotes.

Submissions (12):

ClinGen RASopathy Variant Curation Expert Panel
Classification: Benign for Noonan syndrome and Noonan-related syndrome. Last evaluated: 2017-04-18. Review status: reviewed by expert panel. Criteria: ClinGen RASopathy ACMG Specifications v1. Collection method: curation. Allele origin: germline. Inheritance: Autosomal dominant inheritance.
Comment: The filtering allele frequency of the c.2997T>C (p.Asn999=) variant in the SOS1 gene is 1.009% (120/10162) of African chromosomes by the Exome Aggregation Consortium, which is a high enough frequency to be classified as benign based on thresholds defined by the ClinGen RASopathy Expert Panel (BA1; PMID:29493581)

CeGaT Center for Human Genetics Tuebingen
Classification: Benign. Last evaluated: 2026-05-01. Review status: criteria provided, single submitter. Criteria: CeGaT Center For Human Genetics Tuebingen Variant Classification Criteria Version 2. Collection method: clinical testing. Allele origin: germline. Affected: yes. Observed: 2 variant alleles. Not counted in ClinVar's aggregate classification.
Comment: SOS1: BP4, BP7, BS1, BS2

Labcorp Genetics (formerly Invitae), Labcorp
Classification: Benign for RASopathy. Last evaluated: 2026-02-04. Review status: criteria provided, single submitter. Criteria: Invitae Variant Classification Sherloc (09022015). Collection method: clinical testing. Allele origin: germline. Not counted in ClinVar's aggregate classification.

Mayo Clinic Laboratories, Mayo Clinic
Classification: Benign. Last evaluated: 2024-10-02. Review status: criteria provided, single submitter. Criteria: ACMG Guidelines, 2015. Collection method: clinical testing. Allele origin: germline. Observed: 5 variant alleles. Not counted in ClinVar's aggregate classification.
Comment: BA1, BP4, BP7

Fulgent Genetics
Classification: Likely benign for Fibromatosis, gingival, 1; Noonan syndrome 4. Last evaluated: 2021-08-11. Review status: criteria provided, single submitter. Criteria: ACMG Guidelines, 2015. Collection method: clinical testing. Allele origin: unknown. Not counted in ClinVar's aggregate classification.

Genome Diagnostics Laboratory, The Hospital for Sick Children
Classification: Benign for Noonan syndrome and Noonan-related syndrome. Last evaluated: 2019-09-01. Review status: criteria provided, single submitter. Criteria: ACMG Guidelines, 2015. Collection method: clinical testing. Allele origin: germline. Not counted in ClinVar's aggregate classification.

Ambry Genetics
Classification: Benign for Cardiovascular phenotype. Last evaluated: 2019-01-18. Review status: criteria provided, single submitter. Criteria: Ambry Variant Classification Scheme 2023. Collection method: clinical testing. Allele origin: germline. Not counted in ClinVar's aggregate classification.

Genetic Services Laboratory, University of Chicago
Classification: Likely benign. Last evaluated: 2015-07-27. Review status: criteria provided, single submitter. Criteria: ACMG Guidelines, 2015. Collection method: clinical testing. Allele origin: germline. Not counted in ClinVar's aggregate classification.

GeneDx
Classification: Benign. Last evaluated: 2015-03-03. Review status: criteria provided, single submitter. Criteria: GeneDx Variant Classification Process June 2021. Collection method: clinical testing. Allele origin: germline. Affected: yes. Not counted in ClinVar's aggregate classification.

Laboratory for Molecular Medicine, Mass General Brigham Personalized Medicine
Classification: Benign. Last evaluated: 2011-06-01. Review status: criteria provided, single submitter. Criteria: LMM Criteria. Collection method: clinical testing. Allele origin: germline. Observed: 13 variant alleles. Not counted in ClinVar's aggregate classification.
Comment: Asn999Asn in exon 19 of SOS1: This variant is not expected to have clinical sign ificance because it does not alter an amino acid residue and is not located near a splice junction. This variant has been observed in up to 6% (N=75) of Black p robands tested by our laboratory.

Breakthrough Genomics
Classification: Benign. Review status: criteria provided, single submitter. Criteria: ACMG Guidelines, 2015. Collection method: not provided. Allele origin: germline. Inheritance: Autosomal dominant inheritance. Affected: yes. Not counted in ClinVar's aggregate classification.

PreventionGenetics, part of Exact Sciences
Classification: Benign. Review status: criteria provided, single submitter. Criteria: ACMG Guidelines, 2015. Collection method: clinical testing. Allele origin: germline. Not counted in ClinVar's aggregate classification.

NM_005633.4(SOS1):c.2997T>C (p.Asn999=)

Gene: SOS1 (SOS Ras/Rac guanine nucleotide exchange factor 1; minus strand). Cytogenetic location: 2p22.1.
Variant type: single nucleotide variant.
Coding change: c.2997T>C on transcript NM_005633.4 (MANE Select); coding-DNA position 2997, T replaced by C.
Protein change: p.Asn999=; no amino-acid change (asparagine 999 retained).
Molecular consequence: synonymous variant.
Genome position (GRCh38, 1-based): chr2:38,997,006, A>G on the plus strand (T>C on the coding strand, the complement: SOS1 is on the minus strand). VCF-style: chr2-38997006-A-G. GRCh37 (hg19) VCF-style: chr2-39224147-A-G.
Other names: p.N999N; NM_005633.3(SOS1):c.2997T>C; c.2976T>C, p.Asn992= (NM_001382394.1); c.2997T>C, p.Asn999= (NM_001382395.1).
Identifiers: ClinVar variation 40714 (VCV000040714.38), dbSNP rs145364368, ClinGen allele CA136126.